The following is an entry in ClinVar:

NM_003283.6(TNNT1):c.764A>G (p.Tyr255Cys)

Gene: TNNT1 (troponin T1, slow skeletal type; minus strand). Cytogenetic location: 19q13.42.
Variant type: single nucleotide variant.
Coding change: c.764A>G on transcript NM_003283.6 (MANE Select); coding-DNA position 764, A replaced by G.
Protein change: p.Tyr255Cys; replaces tyrosine 255 with cysteine.
Molecular consequence: missense variant.
Genome position (GRCh38, 1-based): chr19:55,133,914, T>C on the plus strand (A>G on the coding strand, the complement: TNNT1 is on the minus strand). VCF-style: chr19-55133914-T-C. GRCh37 (hg19) VCF-style: chr19-55645282-T-C.
Other names: c.716A>G, p.Tyr239Cys (NM_001126132.3); c.683A>G, p.Tyr228Cys (NM_001126133.3, NM_001291774.2); short protein forms Y228C, Y239C, Y255C.
Identifiers: ClinVar variation 645348 (VCV000645348.1), dbSNP rs1599869703, ClinGen allele CA407431311.

ClinVar aggregate classification (germline): Uncertain significance (1 of 4 stars; one submission).

Conditions:
Nemaline myopathy 5 (NEM5A). Also called: NEMALINE MYOPATHY 5A, AUTOSOMAL RECESSIVE, SEVERE INFANTILE; NEMALINE MYOPATHY, AMISH TYPE; Nemaline myopathy 5, Amish type. Identifiers: Orphanet 98902, MedGen C1854380, MONDO:0011539, OMIM 605355.

Submission:

Labcorp Genetics (formerly Invitae), Labcorp
Classification: Uncertain significance for Nemaline myopathy 5. Last evaluated: 2018-11-02. Review status: criteria provided, single submitter. Criteria: Invitae Variant Classification Sherloc (09022015). Collection method: clinical testing. Allele origin: germline.
Comment: This sequence change replaces tyrosine with cysteine at codon 255 of the TNNT1 protein (p.Tyr255Cys). The tyrosine residue is moderately conserved and there is a large physicochemical difference between tyrosine and cysteine. This variant is not present in population databases (ExAC no frequency). This variant has not been reported in the literature in individuals with TNNT1-related disease. Algorithms developed to predict the effect of missense changes on protein structure and function (SIFT, PolyPhen-2, Align-GVGD) all suggest that this variant is likely to be tolerated, but these predictions have not been confirmed by published functional studies and their clinical significance is uncertain. In summary, the available evidence is currently insufficient to determine the role of this variant in disease. Therefore, it has been classified as a Variant of Uncertain Significance.